The following is an entry in ClinVar:

NM_001098.3(ACO2):c.121G>A (p.Glu41Lys)

Gene: ACO2 (aconitase 2; plus strand). Cytogenetic location: 22q13.2.
Variant type: single nucleotide variant.
Coding change: c.121G>A on transcript NM_001098.3 (MANE Select); coding-DNA position 121, G replaced by A.
Protein change: p.Glu41Lys; replaces glutamic acid 41 with lysine.
Molecular consequence: missense variant.
Genome position (GRCh38, 1-based): chr22:41,499,810, G>A. VCF-style: chr22-41499810-G-A. GRCh37 (hg19) VCF-style: chr22-41895814-G-A.
Other names: short protein forms E41K.
Identifiers: ClinVar variation 1995154 (VCV001995154.4), dbSNP rs775971424, ClinGen allele CA10257285.

ClinVar aggregate classification (germline): Uncertain significance (1 of 4 stars; one submission).

Allele frequency attached by ClinVar (database versions not stated): gnomAD exomes below 0.00001; ExAC 0.00001; TOPMed 0.00001.

Submission:

Labcorp Genetics (formerly Invitae), Labcorp
Classification: Uncertain significance. Last evaluated: 2024-04-06. Review status: criteria provided, single submitter. Criteria: Invitae Variant Classification Sherloc (09022015). Collection method: clinical testing. Allele origin: germline.
Comment: This sequence change replaces glutamic acid, which is acidic and polar, with lysine, which is basic and polar, at codon 41 of the ACO2 protein (p.Glu41Lys). This variant is present in population databases (rs775971424, gnomAD 0.007%). This variant has not been reported in the literature in individuals affected with ACO2-related conditions. ClinVar contains an entry for this variant (Variation ID: 1995154). An algorithm developed to predict the effect of missense changes on protein structure and function (PolyPhen-2) suggests that this variant is likely to be tolerated. In summary, the available evidence is currently insufficient to determine the role of this variant in disease. Therefore, it has been classified as a Variant of Uncertain Significance.